The following is an entry in ClinVar:

ClinVar aggregate classification (germline): Uncertain significance (1 of 4 stars; one submission).

Submission:

Medical Genetic Center, Changzhi Maternal and Child Health Care Hospital
Classification: Uncertain significance. Last evaluated: 2025-12-10. Review status: criteria provided, single submitter. Criteria: ACMG/ClinGen CNV Guidelines, 2019. Collection method: clinical testing. Allele origin: unknown.
Comment: 1A, PPP2R2B partial duplication (NM_181675.4,exon 1-7)

GRCh38/hg38 5q32(chr5:146608219-147415568)x3

Genes: DPYSL3 (dihydropyrimidinase like 3; minus strand), PPP2R2B (protein phosphatase 2 regulatory subunit Bbeta; minus strand), PPP2R2B-AS2 (PPP2R2B antisense RNA 2; plus strand), PPP2R2B-IT1 (PPP2R2B intronic transcript 1; minus strand), STK32A (serine/threonine kinase 32A; plus strand) and 7 more. Cytogenetic location: 5q32.
Variant type: copy number gain.
Change: copy number 3 (three copies instead of two) of chr5:146,608,219-147,415,568 (807.4 kb, GRCh38 coordinates, 1-based), cytogenetic band 5q32.
Identifiers: ClinVar variation 4796294 (VCV004796294.1).